The following is an entry in ClinVar:

NM_001457.4(FLNB):c.6722A>G (p.Asp2241Gly)

Gene: FLNB (filamin B; plus strand). Cytogenetic location: 3p14.3.
Variant type: single nucleotide variant.
Coding change: c.6722A>G on transcript NM_001457.4 (MANE Select); coding-DNA position 6722, A replaced by G.
Protein change: p.Asp2241Gly; replaces aspartic acid 2241 with glycine.
Molecular consequence: missense variant.
Genome position (GRCh38, 1-based): chr3:58,154,878, A>G. VCF-style: chr3-58154878-A-G. GRCh37 (hg19) VCF-style: chr3-58140605-A-G.
Other names: c.6815A>G, p.Asp2272Gly (NM_001164317.2); c.6689A>G, p.Asp2230Gly (NM_001164318.2); c.6650A>G, p.Asp2217Gly (NM_001164319.2); short protein forms D2241G, D2272G, D2217G, D2230G.
Identifiers: ClinVar variation 2851845 (VCV002851845.3), dbSNP rs2471228063, ClinGen allele CA353360588.

ClinVar aggregate classification (germline): Uncertain significance (1 of 4 stars; one submission).

Allele frequency attached by ClinVar (database versions not stated): gnomAD exomes below 0.00001.
gnomAD v4.1: 2 of 1,614,140 alleles (0.00012%); highest among the groups gnomAD compares: Non-Finnish European, 0.00017%; no homozygotes.

Submission:

Labcorp Genetics (formerly Invitae), Labcorp
Classification: Uncertain significance. Last evaluated: 2023-04-03. Review status: criteria provided, single submitter. Criteria: Invitae Variant Classification Sherloc (09022015). Collection method: clinical testing. Allele origin: germline.
Comment: This sequence change replaces aspartic acid, which is acidic and polar, with glycine, which is neutral and non-polar, at codon 2241 of the FLNB protein (p.Asp2241Gly). This variant is not present in population databases (gnomAD no frequency). In summary, the available evidence is currently insufficient to determine the role of this variant in disease. Therefore, it has been classified as a Variant of Uncertain Significance. Advanced modeling of protein sequence and biophysical properties (such as structural, functional, and spatial information, amino acid conservation, physicochemical variation, residue mobility, and thermodynamic stability) performed at Invitae indicates that this missense variant is not expected to disrupt FLNB protein function. This variant has not been reported in the literature in individuals affected with FLNB-related conditions.